The following is an entry in ClinVar:

NM_001999.4(FBN2):c.3322A>C (p.Met1108Leu)

Gene: FBN2 (fibrillin 2; minus strand). Cytogenetic location: 5q23.3.
Variant type: single nucleotide variant.
Coding change: c.3322A>C on transcript NM_001999.4 (MANE Select); coding-DNA position 3322, A replaced by C.
Protein change: p.Met1108Leu; replaces methionine 1108 with leucine.
Molecular consequence: missense variant.
Genome position (GRCh38, 1-based): chr5:128,344,406, T>G on the plus strand (A>C on the coding strand, the complement: FBN2 is on the minus strand). VCF-style: chr5-128344406-T-G. GRCh37 (hg19) VCF-style: chr5-127680098-T-G.
Other names: short protein forms M1108L.
Identifiers: ClinVar variation 387606 (VCV000387606.14), dbSNP rs148127874, ClinGen allele CA3395269.

ClinVar aggregate classification (germline): Conflicting classifications of pathogenicity. Review status: criteria provided, conflicting classifications (1 of 4 stars). 5 submissions from 5 submitters: Uncertain significance (4); Benign (1). Last evaluated 2026-01-03.

Conditions:
Familial thoracic aortic aneurysm and aortic dissection (TAAD). Also called: Thoracic aortic aneurysms and dissections. Identifiers: Orphanet 91387, MedGen C4707243, MONDO:0019625.
Congenital contractural arachnodactyly (CCA). Also called: BEALS SYNDROME; Beals-Hecht syndrome; Arthrogryposis, distal, type 9. Identifiers: Orphanet 115, MedGen C0220668, MONDO:0007363, OMIM 121050.
Macular degeneration, early-onset (EOMD). Identifiers: MedGen C4015286, MONDO:0014501, OMIM 616118.

Allele frequency attached by ClinVar (database versions not stated): TOPMed 0.00019; gnomAD 0.00019; ESP Exome Variant Server 0.00031.

Submissions (5):

Labcorp Genetics (formerly Invitae), Labcorp
Classification: Benign for Congenital contractural arachnodactyly. Last evaluated: 2026-01-03. Review status: criteria provided, single submitter. Criteria: Invitae Variant Classification Sherloc (09022015). Collection method: clinical testing. Allele origin: germline.

Ambry Genetics
Classification: Uncertain significance for Familial thoracic aortic aneurysm and aortic dissection. Last evaluated: 2025-12-16. Review status: criteria provided, single submitter. Criteria: Ambry Variant Classification Scheme 2023. Collection method: clinical testing. Allele origin: germline.
Comment: The p.M1108L variant (also known as c.3322A>C), located in coding exon 25 of the FBN2 gene, results from an A to C substitution at nucleotide position 3322. The methionine at codon 1108 is replaced by leucine, an amino acid with highly similar properties. This amino acid position is conserved. In addition, this alteration is predicted to be tolerated by in silico analysis. Based on the available evidence, the clinical significance of this variant remains unclear.

Revvity Omics, Revvity
Classification: Uncertain significance. Last evaluated: 2025-03-28. Review status: criteria provided, single submitter. Criteria: ACMG Guidelines, 2015. Collection method: clinical testing. Allele origin: germline.

Fulgent Genetics
Classification: Uncertain significance for Congenital contractural arachnodactyly; Macular degeneration, early-onset. Last evaluated: 2021-10-08. Review status: criteria provided, single submitter. Criteria: ACMG Guidelines, 2015. Collection method: clinical testing. Allele origin: unknown.

GeneDx
Classification: Uncertain significance. Last evaluated: 2016-07-07. Review status: criteria provided, single submitter. Criteria: GeneDx Variant Classification (06012015). Collection method: clinical testing. Allele origin: germline. Affected: yes.
Comment: A variant of uncertain significance has been identified in the FBN2 gene. The M1108L variant has not been publishedas a pathogenic variant or been reported as a benign variant to our knowledge. M1108L was not observed with anysignificant frequency in approximately 6,500 individuals of European and African American ancestry in the NHLBIExome Sequencing Project. Nevertheless, the M1108L variant is a conservative amino acid substitution, which is notlikely to impact secondary protein structure as these residues share similar properties. Additionally, this substitutionoccurs at a position where amino acids with properties similar to Methionine are tolerated across species, and L1108is tolerated in at least three species. Consequently, in silico analysis predicts this variant likely does not alter theprotein structure/function. Finally, while the M1108L variant is located within a calcium-binding EGF-like domain ofthe FBN2 gene, it does not affect a Cysteine residue. Cysteine substitutions in the calcium-binding EGF-likedomains represent the majority of pathogenic missense changes associated with congenital arachnodactyly (Collod-Beroud et al., 2003; FrÃ©dÃ©ric et al., 2009).Therefore, based on the currently available information, it is unclear whether this variant is pathogenic or benign.